The following is an entry in ClinVar:

ClinVar aggregate classification (germline): Benign/Likely benign. Review status: criteria provided, multiple submitters, no conflicts (2 of 4 stars). 4 submissions from 4 submitters: Benign (1); Likely benign (3). Last evaluated 2024-04-01.

Conditions:
Hereditary cancer-predisposing syndrome. Also called: Hereditary Cancer Syndrome; Neoplastic Syndromes, Hereditary; Tumor predisposition; Hereditary neoplastic syndrome. Identifiers: Orphanet 140162, MedGen C0027672, MeSH D009386, MONDO:0015356.
Classic or attenuated familial adenomatous polyposis. Identifiers: MedGen CN372698, MONDO:0021057.
Familial adenomatous polyposis 1 (FAP1). Also called: FAMILIAL ADENOMATOUS POLYPOSIS 1, ATTENUATED; POLYPOSIS, ADENOMATOUS INTESTINAL. Identifiers: MedGen C2713442, MONDO:0021056, OMIM 175100. Disease mechanism: loss of function.

Submissions (4):

Myriad Genetics, Inc.
Classification: Benign for Familial adenomatous polyposis 1. Last evaluated: 2024-04-01. Review status: criteria provided, single submitter. Criteria: Myriad Autosomal Dominant, Autosomal Recessive and X-Linked Classification Criteria (2023). Collection method: clinical testing. Allele origin: unknown.
Comment: This variant is considered benign. This variant is a silent/synonymous amino acid change and it is not expected to impact splicing.

Labcorp Genetics (formerly Invitae), Labcorp
Classification: Likely benign for Familial adenomatous polyposis 1. Last evaluated: 2024-02-18. Review status: criteria provided, single submitter. Criteria: Invitae Variant Classification Sherloc (09022015). Collection method: clinical testing. Allele origin: germline.

All of Us Research Program, National Institutes of Health
Classification: Likely benign for Classic or attenuated familial adenomatous polyposis. Last evaluated: 2022-11-30. Review status: criteria provided, single submitter. Criteria: ACMG Guidelines, 2015. Collection method: clinical testing. Allele origin: germline. Inheritance: Autosomal dominant inheritance. Observed: 1 variant allele, 1 heterozygote.
Comment: This study involves interpretation of variants in research participants for the purpose of population health screening. Participant phenotype was not available at the time of variant classification. Additional details can be found in publication PMID: 35346344, PMCID: PMC8962531

Ambry Genetics
Classification: Likely benign for Hereditary cancer-predisposing syndrome. Last evaluated: 2022-05-12. Review status: criteria provided, single submitter. Criteria: Ambry Variant Classification Scheme 2023. Collection method: clinical testing. Allele origin: germline.

NM_000038.6(APC):c.5343A>G (p.Gln1781=)

Gene: APC (APC regulator of Wnt signaling pathway; plus strand). Cytogenetic location: 5q22.2.
Variant type: single nucleotide variant.
Coding change: c.5343A>G on transcript NM_000038.6 (MANE Select); coding-DNA position 5343, A replaced by G.
Protein change: p.Gln1781=; no amino-acid change (glutamine 1781 retained).
Molecular consequence: synonymous variant. On other transcripts: non-coding transcript variant (2).
Genome position (GRCh38, 1-based): chr5:112,840,937, A>G. VCF-style: chr5-112840937-A-G. GRCh37 (hg19) VCF-style: chr5-112176634-A-G.
Other names: c.5343A>G, p.Gln1781= (NM_001127510.3, NM_001354895.2, NM_001407450.1); c.5289A>G, p.Gln1763= (NM_001127511.3); c.5397A>G, p.Gln1799= (NM_001354896.2, NM_001407447.1, NM_001407448.1 and 1 more transcripts); c.5373A>G, p.Gln1791= (NM_001354897.2); c.5268A>G, p.Gln1756= (NM_001354898.2); c.5259A>G, p.Gln1753= (NM_001354899.2); c.5220A>G, p.Gln1740= (NM_001354900.2); c.5166A>G, p.Gln1722= (NM_001354901.2, NM_001407453.1); and 11 more.
Identifiers: ClinVar variation 1746945 (VCV001746945.7), dbSNP rs2149937953, ClinGen allele CA446208807.